The following is an entry in ClinVar:

NM_001386795.1(DTNA):c.148+10C>T

Genes: DTNA (dystrobrevin alpha; plus strand), DTNA-AS1 (DTNA antisense RNA 1; minus strand). Cytogenetic location: 18q12.1.
Variant type: single nucleotide variant.
Coding change: c.148+10C>T on transcript NM_001386795.1 (MANE Select); 10 bases into the intron after coding-DNA position 148, C replaced by T.
Molecular consequence: intron variant.
Genome position (GRCh38, 1-based): chr18:34,766,051, C>T. VCF-style: chr18-34766051-C-T. GRCh37 (hg19) VCF-style: chr18-32346015-C-T.
Other names: c.148+10C>T (NM_001390.4, NM_032975.4, NM_001386761.1 and 36 more transcripts).
Identifiers: ClinVar variation 3706276 (VCV003706276.3).

ClinVar aggregate classification (germline): Likely benign. Review status: criteria provided, multiple submitters, no conflicts (2 of 4 stars). 2 submissions from 2 submitters: Likely benign (2). Last evaluated 2026-04-12.

Conditions:
Left ventricular noncompaction 1 (LVNC1). Also called: LEFT VENTRICULAR NONCOMPACTION 1 WITH OR WITHOUT CONGENITAL HEART DEFECTS. Identifiers: Orphanet 54260, MedGen C1858725, MONDO:0011403, OMIM 604169.
DTNA-related disorder. Also called: DTNA-related condition.

gnomAD v4.1: 10 of 1,613,038 alleles (0.00062%); highest among the groups gnomAD compares: Admixed American, 0.015%; no homozygotes.

Submissions (2):

PreventionGenetics, part of Exact Sciences
Classification: Likely benign for DTNA-related condition. Last evaluated: 2026-04-12. Review status: criteria provided, single submitter. Criteria: ACMG Guidelines, 2015. Collection method: clinical testing. Allele origin: germline.
Comment: This variant is classified as likely benign based on ACMG/AMP sequence variant interpretation guidelines (Richards et al. 2015 PMID: 25741868, with internal and published modifications).

Labcorp Genetics (formerly Invitae), Labcorp
Classification: Likely benign for Left ventricular noncompaction 1. Last evaluated: 2024-05-23. Review status: criteria provided, single submitter. Criteria: Invitae Variant Classification Sherloc (09022015). Collection method: clinical testing. Allele origin: germline.